The following is an entry in ClinVar:

NM_006302.3(MOGS):c.858G>C (p.Gln286His)

Gene: MOGS (mannosyl-oligosaccharide glucosidase; minus strand). Cytogenetic location: 2p13.1.
Variant type: single nucleotide variant.
Coding change: c.858G>C on transcript NM_006302.3 (MANE Select); coding-DNA position 858, G replaced by C.
Protein change: p.Gln286His; replaces glutamine 286 with histidine.
Molecular consequence: missense variant.
Genome position (GRCh38, 1-based): chr2:74,462,931, C>G on the plus strand (G>C on the coding strand, the complement: MOGS is on the minus strand). VCF-style: chr2-74462931-C-G. GRCh37 (hg19) VCF-style: chr2-74690058-C-G.
Other names: c.858G>C, p.Gln286His (LRG_1226t1); c.540G>C, p.Gln180His (NM_001146158.2); short protein forms Q286H, Q180H.
Identifiers: ClinVar variation 465844 (VCV000465844.10), dbSNP rs202095654, ClinGen allele CA1724908.

ClinVar aggregate classification (germline): Uncertain significance. Review status: criteria provided, multiple submitters, no conflicts (2 of 4 stars). 3 submissions from 3 submitters: Uncertain significance (2). 1 of the submissions does not count toward it. Last evaluated 2024-01-08.

Conditions:
Inborn genetic diseases. Identifiers: MedGen C0950123, MeSH D030342.
MOGS-related disorder. Also called: MOGS-related condition.
MOGS-congenital disorder of glycosylation. Also called: CDG IIb; GLUCOSIDASE I DEFICIENCY; CDG 2B; MOGS-CDG. Identifiers: Orphanet 79330, MedGen C1853736, MONDO:0011629, OMIM 606056.

Allele frequency attached by ClinVar (database versions not stated): gnomAD exomes 0.00005 and 0.00012; ExAC 0.00014; 1000 Genomes Project 30x 0.00016; 1000 Genomes Project 0.00020; ESP Exome Variant Server 0.00065; gnomAD 0.00070 and 0.00073; TOPMed 0.00078.
gnomAD v4.1: 187 of 1,614,190 alleles (0.012%); highest among the groups gnomAD compares: African/African-American, 0.22%; no homozygotes.

Submissions (3):

Labcorp Genetics (formerly Invitae), Labcorp
Classification: Uncertain significance for MOGS-congenital disorder of glycosylation. Last evaluated: 2024-01-08. Review status: criteria provided, single submitter. Criteria: Invitae Variant Classification Sherloc (09022015). Collection method: clinical testing. Allele origin: germline.
Comment: This sequence change replaces glutamine, which is neutral and polar, with histidine, which is basic and polar, at codon 286 of the MOGS protein (p.Gln286His). This variant is present in population databases (rs202095654, gnomAD 0.2%). This variant has not been reported in the literature in individuals affected with MOGS-related conditions. ClinVar contains an entry for this variant (Variation ID: 465844). Advanced modeling of protein sequence and biophysical properties (such as structural, functional, and spatial information, amino acid conservation, physicochemical variation, residue mobility, and thermodynamic stability) performed at Invitae indicates that this missense variant is not expected to disrupt MOGS protein function with a negative predictive value of 80%. In summary, the available evidence is currently insufficient to determine the role of this variant in disease. Therefore, it has been classified as a Variant of Uncertain Significance.

Ambry Genetics
Classification: Uncertain significance for Inborn genetic diseases. Last evaluated: 2021-07-14. Review status: criteria provided, single submitter. Criteria: Ambry Variant Classification Scheme 2023. Collection method: clinical testing. Allele origin: germline.

PreventionGenetics, part of Exact Sciences
Classification: Likely benign for MOGS-related condition. Last evaluated: 2022-08-31. Review status: no assertion criteria provided. Collection method: clinical testing. Allele origin: germline. Not counted in ClinVar's aggregate classification.
Comment: This variant is classified as likely benign based on ACMG/AMP sequence variant interpretation guidelines (Richards et al. 2015 PMID: 25741868, with internal and published modifications).